The following is an entry in ClinVar:

NM_024675.4(PALB2):c.3260G>C (p.Ser1087Thr)

Gene: PALB2 (partner and localizer of BRCA2; minus strand). Cytogenetic location: 16p12.2.
Variant type: single nucleotide variant.
Coding change: c.3260G>C on transcript NM_024675.4 (MANE Select); coding-DNA position 3260, G replaced by C.
Protein change: p.Ser1087Thr; replaces serine 1087 with threonine.
Molecular consequence: missense variant. On other transcripts: intron variant (8).
Genome position (GRCh38, 1-based): chr16:23,607,954, C>G on the plus strand (G>C on the coding strand, the complement: PALB2 is on the minus strand). VCF-style: chr16-23607954-C-G. GRCh37 (hg19) VCF-style: chr16-23619275-C-G.
Other names: c.3200G>C, p.Ser1067Thr (NM_001407296.1); c.3188G>C, p.Ser1063Thr (NM_001407297.1); c.3098G>C, p.Ser1033Thr (NM_001407298.1); c.2981G>C, p.Ser994Thr (NM_001407300.1); c.2375G>C, p.Ser792Thr (NM_001407304.1, NM_001407305.1, NM_001407306.1); c.2213G>C, p.Ser738Thr (NM_001407307.1); c.1472G>C, p.Ser491Thr (NM_001407312.1); c.794G>C, p.Ser265Thr (NM_001407314.1); and 6 more; short protein forms S1063T, S738T, S994T, S491T, S1067T, S265T, S792T, S1033T.
Identifiers: ClinVar variation 4827481 (VCV004827481.1).

ClinVar aggregate classification (germline): Uncertain significance (1 of 4 stars; one submission).

Conditions:
Hereditary cancer-predisposing syndrome. Also called: Neoplastic Syndromes, Hereditary; Tumor predisposition; Hereditary Cancer Syndrome; Hereditary neoplastic syndrome. Identifiers: Orphanet 140162, MedGen C0027672, MeSH D009386, MONDO:0015356.

Submission:

Ambry Genetics
Classification: Uncertain significance for Hereditary cancer-predisposing syndrome. Last evaluated: 2026-03-13. Review status: criteria provided, single submitter. Criteria: Ambry Variant Classification Scheme 2023. Collection method: clinical testing. Allele origin: germline.
Comment: The p.S1087T variant (also known as c.3260G>C), located in coding exon 12 of the PALB2 gene, results from a G to C substitution at nucleotide position 3260. The serine at codon 1087 is replaced by threonine, an amino acid with similar properties. This amino acid position is conserved. In addition, this alteration is predicted to be tolerated by in silico analysis. Based on the available evidence, the clinical significance of this variant remains unclear.